The following is an entry in ClinVar:

NM_006070.6(TFG):c.995A>G (p.Gln332Arg)

Gene: TFG (trafficking from ER to golgi regulator; plus strand). Cytogenetic location: 3q12.2.
Variant type: single nucleotide variant.
Coding change: c.995A>G on transcript NM_006070.6 (MANE Select); coding-DNA position 995, A replaced by G.
Protein change: p.Gln332Arg; replaces glutamine 332 with arginine.
Molecular consequence: missense variant.
Genome position (GRCh38, 1-based): chr3:100,748,323, A>G. VCF-style: chr3-100748323-A-G. GRCh37 (hg19) VCF-style: chr3-100467167-A-G.
Other names: c.995A>G, p.Gln332Arg (NM_001007565.2, NM_001195478.2); c.983A>G, p.Gln328Arg (NM_001195479.2); short protein forms Q328R, Q332R.
Identifiers: ClinVar variation 3758078 (VCV003758078.2).

ClinVar aggregate classification (germline): Uncertain significance (1 of 4 stars; one submission).

Conditions:
Hereditary motor and sensory neuropathy, Okinawa type (HMSNO). Also called: HEREDITARY MOTOR AND SENSORY NEUROPATHY, PROXIMAL TYPE. Identifiers: Orphanet 90117, MedGen C1858338, MONDO:0011468, OMIM 604484.
Hereditary spastic paraplegia 57. Also called: Spastic paraplegia 57, autosomal recessive. Identifiers: Orphanet 431329, MedGen C3714897, MONDO:0014295, OMIM 615658.

Submission:

Labcorp Genetics (formerly Invitae), Labcorp
Classification: Uncertain significance for Hereditary motor and sensory neuropathy, Okinawa type; Hereditary spastic paraplegia 57. Last evaluated: 2025-03-05. Review status: criteria provided, single submitter. Criteria: Invitae Variant Classification Sherloc (09022015). Collection method: clinical testing. Allele origin: germline.
Comment: This sequence change replaces glutamine, which is neutral and polar, with arginine, which is basic and polar, at codon 332 of the TFG protein (p.Gln332Arg). This variant is not present in population databases (gnomAD no frequency). This variant has not been reported in the literature in individuals affected with TFG-related conditions. Invitae Evidence Modeling of protein sequence and biophysical properties (such as structural, functional, and spatial information, amino acid conservation, physicochemical variation, residue mobility, and thermodynamic stability) indicates that this missense variant is not expected to disrupt TFG protein function with a negative predictive value of 80%. In summary, the available evidence is currently insufficient to determine the role of this variant in disease. Therefore, it has been classified as a Variant of Uncertain Significance.